The following is an entry in ClinVar:

ClinVar aggregate classification (germline): Uncertain significance (1 of 4 stars; one submission).

Conditions:
Dyskeratosis congenita, autosomal recessive 6 (DKCB6). Identifiers: MedGen C4225356, MONDO:0014600, OMIM 616353.
Pulmonary fibrosis and/or bone marrow failure, Telomere-related, 4. Also called: PULMONARY FIBROSIS AND/OR BONE MARROW FAILURE SYNDROME, TELOMERE-RELATED, 4. Identifiers: Orphanet 2032, MedGen C4225347, MONDO:0014612, OMIM 616371.

Submission:

Labcorp Genetics (formerly Invitae), Labcorp
Classification: Uncertain significance for Dyskeratosis congenita, autosomal recessive 6; Pulmonary fibrosis and/or bone marrow failure, Telomere-related, 4. Last evaluated: 2018-03-23. Review status: criteria provided, single submitter. Criteria: Invitae Variant Classification Sherloc (09022015). Collection method: clinical testing. Allele origin: germline.
Comment: This sequence change replaces isoleucine with valine at codon 3 of the PARN protein (p.Ile3Val). The isoleucine residue is weakly conserved and there is a small physicochemical difference between isoleucine and valine. This variant is not present in population databases (ExAC no frequency). This variant has not been reported in the literature in individuals with PARN-related disease. Algorithms developed to predict the effect of missense changes on protein structure and function (SIFT, PolyPhen-2, Align-GVGD) all suggest that this variant is likely to be tolerated, but these predictions have not been confirmed by published functional studies and their clinical significance is uncertain. Algorithms developed to predict the effect of sequence changes on RNA splicing suggest that this variant may create or strengthen a splice site, but this prediction has not been confirmed by published transcriptional studies. In summary, the available evidence is currently insufficient to determine the role of this variant in disease. Therefore, it has been classified as a Variant of Uncertain Significance.

NM_002582.4(PARN):c.7A>G (p.Ile3Val)

Gene: PARN (poly(A)-specific ribonuclease; minus strand). Cytogenetic location: 16p13.12.
Variant type: single nucleotide variant.
Coding change: c.7A>G on transcript NM_002582.4 (MANE Select); coding-DNA position 7, A replaced by G.
Protein change: p.Ile3Val; replaces isoleucine 3 with valine.
Molecular consequence: missense variant. On other transcripts: intron variant (1).
Genome position (GRCh38, 1-based): chr16:14,630,119, T>C on the plus strand (A>G on the coding strand, the complement: PARN is on the minus strand). VCF-style: chr16-14630119-T-C. GRCh37 (hg19) VCF-style: chr16-14723976-T-C.
Other names: c.7A>G, p.Ile3Val (LRG_1286t1, NM_001242992.2); c.-165+71A>G (NM_001134477.3); short protein forms I3V.
Identifiers: ClinVar variation 568768 (VCV000568768.9), dbSNP rs1567474981, ClinGen allele CA394819003.